The following is an entry in ClinVar:

ClinVar aggregate classification (germline): Uncertain significance (1 of 4 stars; one submission).

Allele frequency attached by ClinVar (database versions not stated): TOPMed below 0.00001; ExAC 0.00001; ESP Exome Variant Server 0.00009.
gnomAD v4.1: 7 of 1,212,346 alleles (0.00058%); highest among the groups gnomAD compares: Non-Finnish European, 0.00078%; no homozygotes.

Submission:

GeneDx
Classification: Uncertain significance. Last evaluated: 2023-05-18. Review status: criteria provided, single submitter. Criteria: GeneDx Variant Classification Process June 2021. Collection method: clinical testing. Allele origin: germline. Affected: yes.
Comment: Not observed at significant frequency in large population cohorts (gnomAD); In silico analysis supports that this missense variant does not alter protein structure/function; Has not been previously published as pathogenic or benign to our knowledge

NM_181303.2(NLGN3):c.715G>A (p.Val239Ile)

Gene: NLGN3 (neuroligin 3; plus strand). Cytogenetic location: Xq13.1.
Variant type: single nucleotide variant.
Coding change: c.715G>A on transcript NM_181303.2 (MANE Select); coding-DNA position 715, G replaced by A.
Protein change: p.Val239Ile; replaces valine 239 with isoleucine.
Molecular consequence: missense variant.
Genome position (GRCh38, 1-based): chrX:71,155,351, G>A. VCF-style: chrX-71155351-G-A. GRCh37 (hg19) VCF-style: chrX-70375201-G-A.
Other names: c.595G>A, p.Val199Ile (NM_001166660.2); c.304G>A, p.Val102Ile (NM_001321276.2); c.655G>A, p.Val219Ile (NM_018977.4); short protein forms V102I, V199I, V219I, V239I.
Identifiers: ClinVar variation 2662620 (VCV002662620.1), dbSNP rs367681235, ClinGen allele CA10445067.
Genomic context (GRCh38, chrX:71,155,351, plus strand): 5'-ATTGATGGCAGCATCCTCGCCAGTTATGGCAATGTCATCGTCATCACCCTCAACTATCGG[G>A]TTGGAGTGCTAGGTATGGTTCCCTGCCTGGTGCCTGGAAGGAAGACTGGCTTCGCAAGGG-3'
Protein context (NP_851820.1, residues 229-249): NVIVITLNYR[Val239Ile]GVLGFLSTGD